The following is an entry in ClinVar:

ClinVar aggregate classification (germline): Uncertain significance (1 of 4 stars; one submission).

Conditions:
Autosomal recessive severe congenital neutropenia due to CSF3R deficiency. Also called: Neutropenia, severe congenital, 7, autosomal recessive. Identifiers: Orphanet 420702, MedGen C4310764, MONDO:0014865, OMIM 617014.

Submission:

Labcorp Genetics (formerly Invitae), Labcorp
Classification: Uncertain significance for Autosomal recessive severe congenital neutropenia due to CSF3R deficiency. Last evaluated: 2025-08-03. Review status: criteria provided, single submitter. Criteria: Invitae Variant Classification Sherloc (09022015). Collection method: clinical testing. Allele origin: germline.
Comment: This sequence change replaces glutamic acid, which is acidic and polar, with lysine, which is basic and polar, at codon 524 of the CSF3R protein (p.Glu524Lys). This variant is not present in population databases (gnomAD no frequency). This variant has not been reported in the literature in individuals affected with CSF3R-related conditions. Invitae Evidence Modeling of protein sequence and biophysical properties (such as structural, functional, and spatial information, amino acid conservation, physicochemical variation, residue mobility, and thermodynamic stability) indicates that this missense variant is expected to disrupt CSF3R protein function with a positive predictive value of 80%. In summary, the available evidence is currently insufficient to determine the role of this variant in disease. Therefore, it has been classified as a Variant of Uncertain Significance.

NM_000760.4(CSF3R):c.1570G>A (p.Glu524Lys)

Gene: CSF3R (colony stimulating factor 3 receptor; minus strand). Cytogenetic location: 1p34.3.
Variant type: single nucleotide variant.
Coding change: c.1570G>A on transcript NM_000760.4 (MANE Select); coding-DNA position 1570, G replaced by A.
Protein change: p.Glu524Lys; replaces glutamic acid 524 with lysine.
Molecular consequence: missense variant.
Genome position (GRCh38, 1-based): chr1:36,469,162, C>T on the plus strand (G>A on the coding strand, the complement: CSF3R is on the minus strand). VCF-style: chr1-36469162-C-T. GRCh37 (hg19) VCF-style: chr1-36934763-C-T.
Other names: c.1570G>A, p.Glu524Lys (NM_156039.3, NM_172313.3); short protein forms E524K.
Identifiers: ClinVar variation 4744928 (VCV004744928.1).
Genomic context (GRCh38, chr1:36,469,162, plus strand): 5'-AGCCTTGGGAGAGAGAGGAGAGGATTCTGGAAAGGGGCCTGATAGTTGACAAACCCATTT[C>T]TTGAGAGTAGGCATAGACATGCTGGGAGGGTCCCATGGTGTCCTGGTACAAGGGAGTCAC-3'
Protein context (NP_000751.1, residues 514-534): PSQHVYAYSQ[Glu524Lys]MAPSHAPELH